The following is an entry in ClinVar:

ClinVar aggregate classification (germline): Uncertain significance. Review status: criteria provided, multiple submitters, no conflicts (2 of 4 stars). 2 submissions from 2 submitters: Uncertain significance (2). Last evaluated 2025-02-01.

Conditions:
Dyskeratosis congenita. Identifiers: Orphanet 1775, MedGen C0265965, MONDO:0015780.
Idiopathic Pulmonary Fibrosis. Also called: Idiopathic fibrosing alveolitis, chronic form; idiopathic fibrosing alveolitis. Identifiers: Orphanet 2032, MedGen C1800706, MeSH D054990, MONDO:0800504.
Dyskeratosis congenita, autosomal dominant 2. Identifiers: MedGen C3151443, MONDO:0013521, OMIM 613989.

Allele frequency attached by ClinVar (database versions not stated): TOPMed 0.00002.
gnomAD v4.1: 12 of 1,578,250 alleles (0.00076%); highest among the groups gnomAD compares: African/African-American, 0.0013%; no homozygotes.

Submissions (2):

Ambry Genetics
Classification: Uncertain significance for Dyskeratosis congenita. Last evaluated: 2025-02-01. Review status: criteria provided, single submitter. Criteria: Ambry Variant Classification Scheme 2023. Collection method: clinical testing. Allele origin: germline.
Comment: The p.T182S variant (also known as c.545C>G), located in coding exon 2 of the TERT gene, results from a C to G substitution at nucleotide position 545. The threonine at codon 182 is replaced by serine, an amino acid with similar properties. This amino acid position is not well conserved in available vertebrate species. In addition, this alteration is predicted to be tolerated by in silico analysis. Based on the available evidence, the clinical significance of this variant remains unclear.

Labcorp Genetics (formerly Invitae), Labcorp
Classification: Uncertain significance for Dyskeratosis congenita, autosomal dominant 2; Idiopathic Pulmonary Fibrosis. Last evaluated: 2024-09-03. Review status: criteria provided, single submitter. Criteria: Invitae Variant Classification Sherloc (09022015). Collection method: clinical testing. Allele origin: germline.
Comment: This sequence change replaces threonine, which is neutral and polar, with serine, which is neutral and polar, at codon 182 of the TERT protein (p.Thr182Ser). This variant is not present in population databases (gnomAD no frequency). This variant has not been reported in the literature in individuals affected with TERT-related conditions. ClinVar contains an entry for this variant (Variation ID: 664664). Invitae Evidence Modeling of protein sequence and biophysical properties (such as structural, functional, and spatial information, amino acid conservation, physicochemical variation, residue mobility, and thermodynamic stability) indicates that this missense variant is not expected to disrupt TERT protein function with a negative predictive value of 80%. In summary, the available evidence is currently insufficient to determine the role of this variant in disease. Therefore, it has been classified as a Variant of Uncertain Significance.

NM_198253.3(TERT):c.545C>G (p.Thr182Ser)

Gene: TERT (telomerase reverse transcriptase; minus strand). Cytogenetic location: 5p15.33.
Variant type: single nucleotide variant.
Coding change: c.545C>G on transcript NM_198253.3 (MANE Select); coding-DNA position 545, C replaced by G.
Protein change: p.Thr182Ser; replaces threonine 182 with serine.
Molecular consequence: missense variant. On other transcripts: non-coding transcript variant (2).
Genome position (GRCh38, 1-based): chr5:1,294,341, G>C on the plus strand (C>G on the coding strand, the complement: TERT is on the minus strand). VCF-style: chr5-1294341-G-C. GRCh37 (hg19) VCF-style: chr5-1294456-G-C.
Other names: c.545C>G, p.Thr182Ser (NM_001193376.3); short protein forms T182S.
Identifiers: ClinVar variation 664664 (VCV000664664.11), dbSNP rs1001681226, ClinGen allele CA112915231.
Genomic context (GRCh38, chr5:1,294,341, plus strand): 5'-GCCCGTTCGCATCCCAGACGCCTTCGGGGTCCACTAGCGTGTGGCGGGGGCCGGGCCTGA[G>C]TGGCAGCGCCGAGCTGGTACAGCGGCGGCCCGCACACCTGGTAGGCGCAGCTGGGAGCCA-3'
Protein context (NP_937983.2, residues 172-192): GPPLYQLGAA[Thr182Ser]QARPPPHASG